The following is an entry in ClinVar:

NM_170707.4(LMNA):c.314A>G (p.Glu105Gly)

Gene: LMNA (lamin A/C; plus strand). Cytogenetic location: 1q22.
Variant type: single nucleotide variant.
Coding change: c.314A>G on transcript NM_170707.4 (MANE Select); coding-DNA position 314, A replaced by G.
Protein change: p.Glu105Gly; replaces glutamic acid 105 with glycine.
Molecular consequence: missense variant. On other transcripts: 5 prime UTR variant (8), intron variant (2).
Genome position (GRCh38, 1-based): chr1:156,115,232, A>G. VCF-style: chr1-156115232-A-G. GRCh37 (hg19) VCF-style: chr1-156085023-A-G.
Other names: p.Glu105Gly; c.314A>G, p.Glu105Gly (NM_001282625.2, NM_001282626.2, NM_001406983.1 and 6 more transcripts); c.-110A>G (NM_001406986.1); c.-88A>G (NM_001406990.1, NM_001406995.1, NM_001407002.1); c.-351A>G (NM_001406994.1, NM_001407000.1); c.-531A>G (NM_001406999.1); c.-194A>G (NM_001407001.1); c.-203+8409A>G (NM_001406993.1, NM_001407003.1); short protein forms E105G.
Identifiers: ClinVar variation 2682661 (VCV002682661.1), dbSNP rs2527834521, ClinGen allele CA342808745.

ClinVar aggregate classification (germline): Uncertain significance (1 of 4 stars; one submission).

Submission:

Mayo Clinic Laboratories, Mayo Clinic
Classification: Uncertain significance. Last evaluated: 2023-05-24. Review status: criteria provided, single submitter. Criteria: ACMG Guidelines, 2015. Collection method: clinical testing. Allele origin: germline. Observed: 1 variant allele.
Comment: PP3, PM2_supporting